The following is an entry in ClinVar:

ClinVar aggregate classification (germline): Likely pathogenic (1 of 4 stars; one submission).

Submission:

Labcorp Genetics (formerly Invitae), Labcorp
Classification: Likely pathogenic. Last evaluated: 2024-05-17. Review status: criteria provided, single submitter. Criteria: Invitae Variant Classification Sherloc (09022015). Collection method: clinical testing. Allele origin: germline.
Comment: This sequence change replaces leucine, which is neutral and non-polar, with proline, which is neutral and non-polar, at codon 690 of the ALOX12B protein (p.Leu690Pro). This variant is not present in population databases (gnomAD no frequency). This missense change has been observed in individual(s) with congenital ichthyosis (Invitae). In at least one individual the data is consistent with being in trans (on the opposite chromosome) from a pathogenic variant. Advanced modeling of protein sequence and biophysical properties (such as structural, functional, and spatial information, amino acid conservation, physicochemical variation, residue mobility, and thermodynamic stability) performed at Invitae indicates that this missense variant is expected to disrupt ALOX12B protein function with a positive predictive value of 80%. In summary, the currently available evidence indicates that the variant is pathogenic, but additional data are needed to prove that conclusively. Therefore, this variant has been classified as Likely Pathogenic.

NM_001139.3(ALOX12B):c.2069T>C (p.Leu690Pro)

Gene: ALOX12B (arachidonate 12-lipoxygenase, 12R type; minus strand). Cytogenetic location: 17p13.1.
Variant type: single nucleotide variant.
Coding change: c.2069T>C on transcript NM_001139.3 (MANE Select); coding-DNA position 2069, T replaced by C.
Protein change: p.Leu690Pro; replaces leucine 690 with proline.
Molecular consequence: missense variant.
Genome position (GRCh38, 1-based): chr17:8,072,808, A>G on the plus strand (T>C on the coding strand, the complement: ALOX12B is on the minus strand). VCF-style: chr17-8072808-A-G. GRCh37 (hg19) VCF-style: chr17-7976126-A-G.
Other names: short protein forms L690P.
Identifiers: ClinVar variation 3701560 (VCV003701560.2).
Genomic context (GRCh38, chr17:8,072,808, plus strand): 5'-GAGGAGAGACGGGAAGCGCGCTCCTAAATAGAAATGCTGTTCTCAATCAGCACCGGGTCC[A>G]GGTAGTAGTAGGGGATGGGAAGGCACTTGTTGCGCTGGCGGATGTCGTGTGAGATCTGGT-3'
Protein context (NP_001130.1, residues 680-700): NKCLPIPYYY[Leu690Pro]DPVLIENSIS